The following is an entry in ClinVar:

ClinVar aggregate classification (germline): Uncertain significance. Review status: criteria provided, multiple submitters, no conflicts (2 of 4 stars). 4 submissions from 4 submitters: Uncertain significance (4). Last evaluated 2026-06-18.

Conditions:
Cardiovascular phenotype. Identifiers: MedGen CN230736.
Hypertrophic cardiomyopathy 14. Identifiers: MedGen C2750467, MONDO:0013197, OMIM 613251.
MYH6-related disorder. Also called: MYH6-related condition; MYH6-Related Disorders.

Allele frequency attached by ClinVar (database versions not stated): ExAC 0.00002; TOPMed 0.00002; ESP Exome Variant Server 0.00015.
gnomAD v4.1: 25 of 1,614,056 alleles (0.0015%); highest among the groups gnomAD compares: East Asian, 0.011%; no homozygotes.

Submissions (4):

PreventionGenetics, part of Exact Sciences
Classification: Uncertain significance for MYH6-related condition. Last evaluated: 2026-06-18. Review status: criteria provided, single submitter. Criteria: ACMG Guidelines, 2015. Collection method: clinical testing. Allele origin: germline.
Comment: The MYH6 c.4430G>A variant is predicted to result in the amino acid substitution p.Arg1477His. This variant has been reported in an individual with left ventricular noncompaction (Table S2, Mazzarotto et al. 2021. PubMed ID: 33500567). This variant is reported in 0.012% of alleles in individuals of African descent in gnomAD and is interpreted as uncertain in ClinVar (Variation ID: 504533). At this time, the clinical significance of this variant is uncertain due to the absence of conclusive functional and genetic evidence.

Labcorp Genetics (formerly Invitae), Labcorp
Classification: Uncertain significance for Hypertrophic cardiomyopathy 14. Last evaluated: 2025-09-14. Review status: criteria provided, single submitter. Criteria: Invitae Variant Classification Sherloc (09022015). Collection method: clinical testing. Allele origin: germline.
Comment: This sequence change replaces arginine, which is basic and polar, with histidine, which is basic and polar, at codon 1477 of the MYH6 protein (p.Arg1477His). This variant is present in population databases (rs147586142, gnomAD 0.008%). This missense change has been observed in individual(s) with left ventricular noncompaction (PMID: 33500567). ClinVar contains an entry for this variant (Variation ID: 504533). Invitae Evidence Modeling of protein sequence and biophysical properties (such as structural, functional, and spatial information, amino acid conservation, physicochemical variation, residue mobility, and thermodynamic stability) indicates that this missense variant is expected to disrupt MYH6 protein function with a positive predictive value of 80%. In summary, the available evidence is currently insufficient to determine the role of this variant in disease. Therefore, it has been classified as a Variant of Uncertain Significance.

Ambry Genetics
Classification: Uncertain significance for Cardiovascular phenotype. Last evaluated: 2025-03-12. Review status: criteria provided, single submitter. Criteria: Ambry Variant Classification Scheme 2023. Collection method: clinical testing. Allele origin: germline.
Comment: The p.R1477H variant (also known as c.4430G>A), located in coding exon 29 of the MYH6 gene, results from a G to A substitution at nucleotide position 4430. The arginine at codon 1477 is replaced by histidine, an amino acid with highly similar properties. This amino acid position is highly conserved in available vertebrate species. In addition, this alteration is predicted to be deleterious by in silico analysis. Since supporting evidence is limited at this time, the clinical significance of this alteration remains unclear.

Laboratory for Molecular Medicine, Mass General Brigham Personalized Medicine
Classification: Uncertain significance. Last evaluated: 2016-08-14. Review status: criteria provided, single submitter. Criteria: LMM Criteria. Collection method: clinical testing. Allele origin: germline. Observed: 1 variant allele.
Comment: The p.Arg1477His variant in MYH6 has not been previously reported in individuals with cardiomyopathy, but has been identified in 2/10308 African chromosomes by the Exome Aggregation Consortium (ExAC; dbSNP rs 147586142). Computational prediction tools and conservation analysis suggest tha t the p.Arg1477His variant may impact the protein, though this information is no t predictive enough to determine pathogenicity. In summary, the clinical signifi cance of the p.Arg1477His variant is uncertain.

Literature cited by the submitters: PubMed 33500567 (cited by Labcorp Genetics (formerly Invitae), Labcorp).

NM_002471.4(MYH6):c.4430G>A (p.Arg1477His)

Gene: MYH6 (myosin heavy chain 6; minus strand). Cytogenetic location: 14q11.2.
Variant type: single nucleotide variant.
Coding change: c.4430G>A on transcript NM_002471.4 (MANE Select); coding-DNA position 4430, G replaced by A.
Protein change: p.Arg1477His; replaces arginine 1477 with histidine.
Molecular consequence: missense variant.
Genome position (GRCh38, 1-based): chr14:23,387,853, C>T on the plus strand (G>A on the coding strand, the complement: MYH6 is on the minus strand). VCF-style: chr14-23387853-C-T. GRCh37 (hg19) VCF-style: chr14-23857062-C-T.
Other names: short protein forms R1477H.
Identifiers: ClinVar variation 504533 (VCV000504533.16), dbSNP rs147586142, ClinGen allele CA7114765.